The following is an entry in ClinVar:

ClinVar aggregate classification (germline): Likely benign. Review status: criteria provided, multiple submitters, no conflicts (2 of 4 stars). 3 submissions from 3 submitters: Likely benign (2). 1 of the submissions does not count toward it. Last evaluated 2025-12-01.

Conditions:
NUP133-related disorder. Also called: NUP133-related condition.

Allele frequency attached by ClinVar (database versions not stated): 1000 Genomes Project 30x 0.00031; 1000 Genomes Project 0.00040; ESP Exome Variant Server 0.00077; TOPMed 0.00077; gnomAD 0.00091 and 0.00092.
gnomAD v4.1: 1,680 of 1,614,022 alleles (0.1%); highest among the groups gnomAD compares: South Asian, 0.17%; 2 homozygotes.

Submissions (3):

CeGaT Center for Human Genetics Tuebingen
Classification: Likely benign. Last evaluated: 2025-12-01. Review status: criteria provided, single submitter. Criteria: CeGaT Center For Human Genetics Tuebingen Variant Classification Criteria Version 2. Collection method: clinical testing. Allele origin: germline. Affected: yes. Observed: 3 variant alleles.
Comment: NUP133: BP4, BP7

Labcorp Genetics (formerly Invitae), Labcorp
Classification: Likely benign. Last evaluated: 2025-10-12. Review status: criteria provided, single submitter. Criteria: Invitae Variant Classification Sherloc (09022015). Collection method: clinical testing. Allele origin: germline.

PreventionGenetics, part of Exact Sciences
Classification: Likely benign for NUP133-related condition. Last evaluated: 2019-04-09. Review status: no assertion criteria provided. Collection method: clinical testing. Allele origin: germline. Not counted in ClinVar's aggregate classification.
Comment: This variant is classified as likely benign based on ACMG/AMP sequence variant interpretation guidelines (Richards et al. 2015 PMID: 25741868, with internal and published modifications).

NM_018230.3(NUP133):c.354G>A (p.Val118=)

Gene: NUP133 (nucleoporin 133; minus strand). Cytogenetic location: 1q42.13.
Variant type: single nucleotide variant.
Coding change: c.354G>A on transcript NM_018230.3 (MANE Select); coding-DNA position 354, G replaced by A.
Protein change: p.Val118=; no amino-acid change (valine 118 retained).
Molecular consequence: synonymous variant.
Genome position (GRCh38, 1-based): chr1:229,502,050, C>T on the plus strand (G>A on the coding strand, the complement: NUP133 is on the minus strand). VCF-style: chr1-229502050-C-T. GRCh37 (hg19) VCF-style: chr1-229637797-C-T.
Other names: c.354G>A (NM_018230.2).
Identifiers: ClinVar variation 1176226 (VCV001176226.36), dbSNP rs146199160, ClinGen allele CA1443855.